The following is an entry in ClinVar:

ClinVar aggregate classification (germline): Likely benign (1 of 4 stars; one submission).

Conditions:
KAT6A-related disorder. Also called: KAT6A-related condition.

Submission:

PreventionGenetics, part of Exact Sciences
Classification: Likely benign for KAT6A-related condition. Last evaluated: 2024-12-09. Review status: criteria provided, single submitter. Criteria: ACMG Guidelines, 2015. Collection method: clinical testing. Allele origin: germline.
Comment: This variant is classified as likely benign based on ACMG/AMP sequence variant interpretation guidelines (Richards et al. 2015 PMID: 25741868, with internal and published modifications).

NM_006766.5(KAT6A):c.1599-4A>C

Gene: KAT6A (lysine acetyltransferase 6A; minus strand). Cytogenetic location: 8p11.21.
Variant type: single nucleotide variant.
Coding change: c.1599-4A>C on transcript NM_006766.5 (MANE Select); 4 bases into the intron before coding-DNA position 1599, A replaced by C.
Molecular consequence: intron variant.
Genome position (GRCh38, 1-based): chr8:41,949,367, T>G on the plus strand (A>C on the coding strand, the complement: KAT6A is on the minus strand). VCF-style: chr8-41949367-T-G. GRCh37 (hg19) VCF-style: chr8-41806885-T-G.
Other names: c.1599-4A>C (NM_001305878.2).
Identifiers: ClinVar variation 4983185 (VCV004983185.1).